The following is an entry in ClinVar:

ClinVar aggregate classification (germline): Uncertain significance (1 of 4 stars; one submission).

Submission:

Labcorp Genetics (formerly Invitae), Labcorp
Classification: Uncertain significance. Last evaluated: 2023-08-24. Review status: criteria provided, single submitter. Criteria: Invitae Variant Classification Sherloc (09022015). Collection method: clinical testing. Allele origin: germline.
Comment: In summary, the available evidence is currently insufficient to determine the role of this variant in disease. Therefore, it has been classified as a Variant of Uncertain Significance. An algorithm developed to predict the effect of missense changes on protein structure and function (PolyPhen-2) suggests that this variant is likely to be tolerated. This variant has not been reported in the literature in individuals affected with DSCAML1-related conditions. This variant is not present in population databases (gnomAD no frequency). This sequence change replaces asparagine, which is neutral and polar, with aspartic acid, which is acidic and polar, at codon 1372 of the DSCAML1 protein (p.Asn1372Asp).

NM_020693.4(DSCAML1):c.3934A>G (p.Asn1312Asp)

Gene: DSCAML1 (DS cell adhesion molecule like 1; minus strand). Cytogenetic location: 11q23.3.
Variant type: single nucleotide variant.
Coding change: c.3934A>G on transcript NM_020693.4 (MANE Select); coding-DNA position 3934, A replaced by G.
Protein change: p.Asn1312Asp; replaces asparagine 1312 with aspartic acid.
Molecular consequence: missense variant.
Genome position (GRCh38, 1-based): chr11:117,439,865, T>C on the plus strand (A>G on the coding strand, the complement: DSCAML1 is on the minus strand). VCF-style: chr11-117439865-T-C. GRCh37 (hg19) VCF-style: chr11-117310581-T-C.
Other names: short protein forms N1312D.
Identifiers: ClinVar variation 2749836 (VCV002749836.3), dbSNP rs2048007675, ClinGen allele CA382761629.